The following is an entry in ClinVar:

NM_017934.7(PHIP):c.1837A>C (p.Arg613=)

Gene: PHIP (PHIP subunit of CUL4-Ring ligase complex; minus strand). Cytogenetic location: 6q14.1.
Variant type: single nucleotide variant.
Coding change: c.1837A>C on transcript NM_017934.7 (MANE Select); coding-DNA position 1837, A replaced by C.
Protein change: p.Arg613=; no amino-acid change (arginine 613 retained).
Molecular consequence: synonymous variant.
Genome position (GRCh38, 1-based): chr6:79,001,941, T>G on the plus strand (A>C on the coding strand, the complement: PHIP is on the minus strand). VCF-style: chr6-79001941-T-G. GRCh37 (hg19) VCF-style: chr6-79711658-T-G.
Identifiers: ClinVar variation 3346793 (VCV003346793.3).
Genomic context (GRCh38, chr6:79,001,941, plus strand): 5'-AAGAAAATGAGCACCTACCTGAGGAAGTTACTCCCATCTGAGGGATGAGTTGCTCCTCCC[T>G]GCAATTTTCACGGCCAGGAACTAATCTTTGATATCTTGATGGATGAGGGTTACCATCAAC-3'
Protein context (NP_060404.4, residues 603-623): QRLVPGRENC[Arg613=]EEQLIPQMGV

ClinVar aggregate classification (germline): Likely benign. Review status: criteria provided, multiple submitters, no conflicts (2 of 4 stars). 3 submissions from 3 submitters: Likely benign (2). 1 of the submissions does not count toward it. Last evaluated 2026-09-01.

Conditions:
PHIP-related disorder. Also called: PHIP-related disorders; PHIP-related condition.

gnomAD v4.1: 5 of 1,613,018 alleles (0.00031%); highest among the groups gnomAD compares: Admixed American, 0.0083%; no homozygotes.

Submissions (3):

CeGaT Center for Human Genetics Tuebingen
Classification: Likely benign. Last evaluated: 2026-09-01. Review status: criteria provided, single submitter. Criteria: CeGaT Center For Human Genetics Tuebingen Variant Classification Criteria Version 2. Collection method: clinical testing. Allele origin: germline. Affected: yes. Observed: 1 variant allele.
Comment: PHIP: BP4, BP7

Labcorp Genetics (formerly Invitae), Labcorp
Classification: Likely benign. Last evaluated: 2025-03-11. Review status: criteria provided, single submitter. Criteria: Invitae Variant Classification Sherloc (09022015). Collection method: clinical testing. Allele origin: germline.

PreventionGenetics, part of Exact Sciences
Classification: Likely benign for PHIP-related condition. Last evaluated: 2024-09-04. Review status: no assertion criteria provided. Collection method: clinical testing. Allele origin: germline. Not counted in ClinVar's aggregate classification.
Comment: This variant is classified as likely benign based on ACMG/AMP sequence variant interpretation guidelines (Richards et al. 2015 PMID: 25741868, with internal and published modifications).